The following is an entry in ClinVar:

NM_003839.4(TNFRSF11A):c.1A>G (p.Met1Val)

Genes: TNFRSF11A (TNF receptor superfamily member 11a; plus strand), LOC130062628 (ATAC-STARR-seq lymphoblastoid silent region 9505; plus strand). Cytogenetic location: 18q21.33.
Variant type: single nucleotide variant.
Coding change: c.1A>G on transcript NM_003839.4 (MANE Select); coding-DNA position 1, A replaced by G.
Protein change: p.Met1Val; changes the start codon (methionine 1).
Molecular consequence: missense variant, initiator codon variant.
Genome position (GRCh38, 1-based): chr18:62,325,353, A>G. VCF-style: chr18-62325353-A-G. GRCh37 (hg19) VCF-style: chr18-59992586-A-G.
Other names: c.1A>G, p.Met1Val (NM_001270949.2, NM_001270950.2, NM_001270951.2 and 1 more transcripts); short protein forms M1V.
Identifiers: ClinVar variation 2851784 (VCV002851784.3), dbSNP rs1221460027, ClinGen allele CA402618559.
Genomic context (GRCh38, chr18:62,325,353, plus strand): 5'-CGCGCCCGCTGGGCCACAGAGGCCGCTGAGGCCGCGGCGCCCGCCAGCCTGTCCCGCGCC[A>G]TGGCCCCGCGCGCCCGGCGGCGCCGCCCGCTGTTCGCGCTGCTGCTGCTCTGCGCGCTGC-3'
Protein context (NP_003830.1, residues 1-11): [Met1Val]APRARRRRPL

ClinVar aggregate classification (germline): Uncertain significance (1 of 4 stars; one submission).

Allele frequency attached by ClinVar (database versions not stated): gnomAD exomes below 0.00001; TOPMed below 0.00001; gnomAD 0.00001.

Submission:

Labcorp Genetics (formerly Invitae), Labcorp
Classification: Uncertain significance. Last evaluated: 2023-09-05. Review status: criteria provided, single submitter. Criteria: Invitae Variant Classification Sherloc (09022015). Collection method: clinical testing. Allele origin: germline.
Comment: In summary, the available evidence is currently insufficient to determine the role of this variant in disease. Therefore, it has been classified as a Variant of Uncertain Significance. The frequency data for this variant in the population databases is considered unreliable, as metrics indicate insufficient coverage at this position in the gnomAD database. This variant has not been reported in the literature in individuals affected with TNFRSF11A-related conditions. This sequence change affects the initiator methionine of the TNFRSF11A mRNA. The next in-frame methionine is located at codon 56.